The following is an entry in ClinVar:

ClinVar aggregate classification (germline): Uncertain significance. Review status: criteria provided, multiple submitters, no conflicts (2 of 4 stars). 2 submissions from 2 submitters: Uncertain significance (2). Last evaluated 2025-04-26.

Conditions:
Bronchiectasis with or without elevated sweat chloride 1 (BESC1). Also called: Cystic Fibrosis-Like Syndrome. Identifiers: Orphanet 60033, MedGen C2749757, MONDO:0008887, OMIM 211400.
Pseudohypoaldosteronism, type IB2, autosomal recessive (PHA1B2). Identifiers: MedGen C5774255, MONDO:0859317, OMIM 620125.
Liddle syndrome 1 (LIDLS1). Also called: PSEUDOALDOSTERONISM. Identifiers: Orphanet 526, MedGen CN031472, MONDO:0020607, OMIM 177200.

Allele frequency attached by ClinVar (database versions not stated): gnomAD 0.00007; ExAC 0.00008; ESP Exome Variant Server 0.00008; TOPMed 0.00008; gnomAD exomes 0.00011 and 0.00015.
gnomAD v4.1: 228 of 1,613,988 alleles (0.014%); highest among the groups gnomAD compares: Admixed American, 0.018%; 1 homozygote.

Submissions (2):

Labcorp Genetics (formerly Invitae), Labcorp
Classification: Uncertain significance. Last evaluated: 2025-04-26. Review status: criteria provided, single submitter. Criteria: Invitae Variant Classification Sherloc (09022015). Collection method: clinical testing. Allele origin: germline.
Comment: This sequence change replaces arginine, which is basic and polar, with histidine, which is basic and polar, at codon 505 of the SCNN1B protein (p.Arg505His). This variant is present in population databases (rs138784278, gnomAD 0.03%), including at least one homozygous and/or hemizygous individual. This variant has not been reported in the literature in individuals affected with SCNN1B-related conditions. ClinVar contains an entry for this variant (Variation ID: 318440). Invitae Evidence Modeling of protein sequence and biophysical properties (such as structural, functional, and spatial information, amino acid conservation, physicochemical variation, residue mobility, and thermodynamic stability) indicates that this missense variant is not expected to disrupt SCNN1B protein function with a negative predictive value of 80%. In summary, the available evidence is currently insufficient to determine the role of this variant in disease. Therefore, it has been classified as a Variant of Uncertain Significance.

Fulgent Genetics
Classification: Uncertain significance for Liddle syndrome 1; Bronchiectasis with or without elevated sweat chloride 1; Pseudohypoaldosteronism, type IB2, autosomal recessive. Last evaluated: 2024-06-21. Review status: criteria provided, single submitter. Criteria: ACMG Guidelines, 2015. Collection method: clinical testing. Allele origin: germline.

NM_000336.3(SCNN1B):c.1514G>A (p.Arg505His)

Gene: SCNN1B (sodium channel epithelial 1 subunit beta; plus strand). Cytogenetic location: 16p12.2.
Variant type: single nucleotide variant.
Coding change: c.1514G>A on transcript NM_000336.3 (MANE Select); coding-DNA position 1514, G replaced by A.
Protein change: p.Arg505His; replaces arginine 505 with histidine.
Molecular consequence: missense variant.
Genome position (GRCh38, 1-based): chr16:23,380,141, G>A. VCF-style: chr16-23380141-G-A. GRCh37 (hg19) VCF-style: chr16-23391462-G-A.
Other names: short protein forms R505H.
Identifiers: ClinVar variation 318440 (VCV000318440.10), dbSNP rs138784278, ClinGen allele CA7960554.